The following is an entry in ClinVar:

ClinVar aggregate classification (germline): Pathogenic/Likely pathogenic. Review status: criteria provided, multiple submitters, no conflicts (2 of 4 stars). 8 submissions from 8 submitters: Pathogenic (3); Likely pathogenic (4). 1 of the submissions does not count toward it. Last evaluated 2025-02-24.

Conditions:
Classic homocystinuria. Also called: HOMOCYSTINURIA WITH OR WITHOUT RESPONSE TO PYRIDOXINE; Homocystinuria due to Cystathionine Beta-Synthase Deficiency; Homocystinuria due to CBS deficiency; Cystathionine beta-synthase deficiency; CBS deficiency. Identifiers: Orphanet 394, MedGen C0751202, MONDO:0009352, OMIM 236200.
HYPERHOMOCYSTEINEMIA, THROMBOTIC, CBS-RELATED. Identifiers: MedGen C3150344, OMIM 236200.
Homocystinuria. Identifiers: MedGen C0019880, MONDO:0004737, HP:0002156.
Familial thoracic aortic aneurysm and aortic dissection (TAAD). Also called: Thoracic aortic aneurysms and dissections. Identifiers: Orphanet 91387, MedGen C4707243, MONDO:0019625.

Allele frequency attached by ClinVar (database versions not stated): gnomAD 0.00001; gnomAD exomes 0.00001; ExAC 0.00002.

Submissions (8):

Ambry Genetics
Classification: Likely pathogenic for Familial thoracic aortic aneurysm and aortic dissection. Last evaluated: 2025-02-24. Review status: criteria provided, single submitter. Criteria: Ambry Variant Classification Scheme 2023. Collection method: clinical testing. Allele origin: germline.
Comment: The p.G148R variant (also known as c.442G>A), located in coding exon 3 of the CBS gene, results from a G to A substitution at nucleotide position 442. The glycine at codon 148 is replaced by arginine, an amino acid with dissimilar properties. This alteration has been reported as homozygous and as a compound heterozygote in subjects with features of homocystinuria (Kraus JP et al. Hum Mutat, 1999;13:362-75; Orend&aacute;&egrave; M et al. Hum Mutat, 2004 Jun;23:631). This alteration has also been shown to have an impact on protein function (Meier M et al. Biochim Biophys Acta, 2003 Apr;1647:206-13; Orend&aacute;&egrave; M et al. Hum Mutat, 2004 Jun;23:631; Mayfield JA et al. Genetics, 2012 Apr;190:1309-23). This variant is considered to be rare based on population cohorts in the Genome Aggregation Database (gnomAD). This amino acid position is highly conserved in available vertebrate species. In addition, this alteration is predicted to be deleterious by in silico analysis. Based on the majority of available evidence to date, this variant is likely to be pathogenic.

Natera, Inc.
Classification: Likely pathogenic for Homocystinuria due to cystathionine beta-synthase deficiency. Last evaluated: 2024-11-06. Review status: criteria provided, single submitter. Criteria: Natera Variant Classification Schema (03/2026). Collection method: clinical testing. Allele origin: germline.
Comment: The c.442G>A variant in CBS is a missense variant predicted to cause substitution of glycine to arginine at amino acid 148. This variant is rare in the general population with a frequency below the threshold expected for the associated phenotype(s). This variant has been observed in one or more individuals affected with the associated recessive disease, as either homozygous or compound heterozygous with a second variant (PMID: 16479318, 15146473). Functional studies show that this variant may disrupt protein function (PMID: 25331909). Computational prediction algorithms indicate this variant is likely to affect gene or protein function. Given the available evidence, this variant is classified as Likely Pathogenic.

Labcorp Genetics (formerly Invitae), Labcorp
Classification: Pathogenic for HYPERHOMOCYSTEINEMIA, THROMBOTIC, CBS-RELATED. Last evaluated: 2024-10-08. Review status: criteria provided, single submitter. Criteria: Invitae Variant Classification Sherloc (09022015). Collection method: clinical testing. Allele origin: germline.
Comment: This sequence change replaces glycine, which is neutral and non-polar, with arginine, which is basic and polar, at codon 148 of the CBS protein (p.Gly148Arg). This variant is present in population databases (rs755952006, gnomAD 0.007%). This missense change has been observed in individual(s) with homocystinuria due to CBS deficiency (PMID: 15146473, 16307898, 16479318, 20694756). ClinVar contains an entry for this variant (Variation ID: 371512). Invitae Evidence Modeling of protein sequence and biophysical properties (such as structural, functional, and spatial information, amino acid conservation, physicochemical variation, residue mobility, and thermodynamic stability) indicates that this missense variant is expected to disrupt CBS protein function with a positive predictive value of 95%. Experimental studies have shown that this missense change affects CBS function (PMID: 16307898, 16429402, 20490928, 20506325). For these reasons, this variant has been classified as Pathogenic.

Baylor Genetics
Classification: Pathogenic for Classic homocystinuria. Last evaluated: 2024-03-15. Review status: criteria provided, single submitter. Criteria: ACMG Guidelines, 2015. Collection method: clinical testing. Allele origin: unknown.

GeneDx
Classification: Likely pathogenic. Last evaluated: 2023-07-13. Review status: criteria provided, single submitter. Criteria: GeneDx Variant Classification Process June 2021. Collection method: clinical testing. Allele origin: germline. Affected: yes.
Comment: Published functional studies demonstrate a damaging effect: decreased enzyme activity and failure to restore function /rescue growth when expressed in a yeast system lacking the CBS ortholog (Kozich et al., 2010; Mayfield et al., 2012; Melenovska et al., 2015); Not observed at significant frequency in large population cohorts (gnomAD); In silico analysis supports that this missense variant has a deleterious effect on protein structure/function; This variant is associated with the following publications: (PMID: 20490928, 25331909, 20506325, 20694756, 22267502, 10338090, 16307898, 16429402, 16479318, 15146473)

Women's Health and Genetics/Laboratory Corporation of America, LabCorp
Classification: Pathogenic for Homocystinuria. Last evaluated: 2019-01-31. Review status: criteria provided, single submitter. Criteria: LabCorp Variant Classification Summary - May 2015. Collection method: clinical testing. Allele origin: germline.
Comment: Variant summary: The variant, CBS c.442G>A (p.Gly148Arg) results in a non-conservative amino acid change located in the Pyridoxal-phosphate dependent enzyme domain of the encoded protein sequence. Five of five in-silico tools predict a damaging effect of the variant on protein function. The variant allele was found at a frequency of 1.2e-05 in 244468 control chromosomes (gnomAD). The variant,c.442G>A has been reported in the literature in individuals affected with Homocystinuria (Katsushima_2005, Orendac_2004, Urreizti_2006). These data indicate that the variant is likely to be associated with disease. At least one publication reports experimental evidence evaluating an impact on protein function. The most pronounced variant effect results in <10% of normal activity (Kozich_2010, Katsushima_2005, Orendac_2004). A ClinVar submission from a clinical diagnostic laboratory (evaluation after 2014) cites the variant as likely pathogenic. Based on the evidence outlined above, the variant was classified as pathogenic.

Juno Genomics, Hangzhou Juno Genomics, Inc
Classification: Likely pathogenic for Classic homocystinuria. Review status: criteria provided, single submitter. Criteria: ACMG Guidelines, 2015. Collection method: clinical testing. Allele origin: germline.
Comment: Absent from controls (or at extremely low frequency if recessive) in Genome Aggregation Database.;Multiple lines of computational evidence support a deleterious effect on the gene or gene product.;For recessive disorders, detected in trans with a pathogenic variant.;Patient's phenotype or family history is highly specific for a disease with a single genetic etiology.

Counsyl
Classification: Likely pathogenic for Classic homocystinuria. Last evaluated: 2016-10-10. Review status: no assertion criteria provided. Collection method: clinical testing. Allele origin: unknown. Not counted in ClinVar's aggregate classification.

Literature cited by the submitters: PubMed 10338090 (cited by Ambry Genetics); PubMed 12686134 (cited by Ambry Genetics); PubMed 15146473 (cited by 4 submitters); PubMed 16307898 (cited by 4 submitters); PubMed 22267502 (cited by 3 submitters); PubMed 16479318 (cited by 3 submitters); PubMed 25331909 (cited by Natera, Inc. and Counsyl); PubMed 20694756 (cited by Labcorp Genetics (formerly Invitae), Labcorp and Counsyl); PubMed 16429402 (cited by Labcorp Genetics (formerly Invitae), Labcorp); PubMed 20490928 (cited by Labcorp Genetics (formerly Invitae), Labcorp); PubMed 20506325 (cited by Labcorp Genetics (formerly Invitae), Labcorp and Women's Health and Genetics/Laboratory Corporation of America, LabCorp).

NM_000071.3(CBS):c.442G>A (p.Gly148Arg)

Gene: CBS (cystathionine beta-synthase; minus strand). Cytogenetic location: 21q22.3.
Variant type: single nucleotide variant.
Coding change: c.442G>A on transcript NM_000071.3 (MANE Select); coding-DNA position 442, G replaced by A.
Protein change: p.Gly148Arg; replaces glycine 148 with arginine.
Molecular consequence: missense variant.
Genome position (GRCh38, 1-based): chr21:43,066,252, C>T on the plus strand (G>A on the coding strand, the complement: CBS is on the minus strand). VCF-style: chr21-43066252-C-T. GRCh37 (hg19) VCF-style: chr21-44486362-C-T.
Other names: c.442G>A, p.Gly148Arg (NM_001178008.3, NM_001178009.3, NM_001320298.2); c.127G>A, p.Gly43Arg (NM_001321072.1); short protein forms G148R, G43R.
Identifiers: ClinVar variation 371512 (VCV000371512.24), dbSNP rs755952006, ClinGen allele CA16042005.